The following is an entry in ClinVar:

NM_002242.4(KCNJ13):c.908T>G (p.Leu303Trp)

Genes: GIGYF2 (GRB10 interacting GYF protein 2; plus strand), KCNJ13 (potassium inwardly rectifying channel subfamily J member 13; minus strand). Cytogenetic location: 2q37.1.
Variant type: single nucleotide variant.
Coding change: c.908T>G on transcript NM_002242.4 (MANE Select); coding-DNA position 908, T replaced by G.
Protein change: p.Leu303Trp; replaces leucine 303 with tryptophan.
Molecular consequence: missense variant. On other transcripts: 3 prime UTR variant (1), intron variant (4).
Genome position (GRCh38, 1-based): chr2:232,768,366, A>C on the plus strand (T>G on the coding strand, the complement: KCNJ13 is on the minus strand). VCF-style: chr2-232768366-A-C. GRCh37 (hg19) VCF-style: chr2-233633076-A-C.
Other names: c.*387T>G (NM_001172416.1); c.668T>G, p.Leu223Trp (NM_001172417.1); c.532+6930A>C (NM_001103146.3, NM_015575.4, NM_001103147.2 and 1 more transcripts); short protein forms L223W, L303W.
Identifiers: ClinVar variation 1718851 (VCV001718851.5), dbSNP rs2469801700, ClinGen allele CA351008054.

ClinVar aggregate classification (germline): Uncertain significance (1 of 4 stars; one submission).

Submission:

Labcorp Genetics (formerly Invitae), Labcorp
Classification: Uncertain significance. Last evaluated: 2024-10-23. Review status: criteria provided, single submitter. Criteria: Invitae Variant Classification Sherloc (09022015). Collection method: clinical testing. Allele origin: germline.
Comment: This sequence change replaces leucine, which is neutral and non-polar, with tryptophan, which is neutral and slightly polar, at codon 303 of the KCNJ13 protein (p.Leu303Trp). This variant is not present in population databases (gnomAD no frequency). This variant has not been reported in the literature in individuals affected with KCNJ13-related conditions. ClinVar contains an entry for this variant (Variation ID: 1718851). Invitae Evidence Modeling of protein sequence and biophysical properties (such as structural, functional, and spatial information, amino acid conservation, physicochemical variation, residue mobility, and thermodynamic stability) indicates that this missense variant is not expected to disrupt KCNJ13 protein function with a negative predictive value of 80%. In summary, the available evidence is currently insufficient to determine the role of this variant in disease. Therefore, it has been classified as a Variant of Uncertain Significance.